The following is an entry in ClinVar:

NM_014991.6(WDFY3):c.290C>G (p.Ser97Ter)

Gene: WDFY3 (WD repeat and FYVE domain containing 3; minus strand). Cytogenetic location: 4q21.23.
Variant type: single nucleotide variant.
Coding change: c.290C>G on transcript NM_014991.6 (MANE Select); coding-DNA position 290, C replaced by G.
Protein change: p.Ser97Ter; replaces serine 97 with a stop codon.
Molecular consequence: nonsense.
Genome position (GRCh38, 1-based): chr4:84,849,916, G>C on the plus strand (C>G on the coding strand, the complement: WDFY3 is on the minus strand). VCF-style: chr4-84849916-G-C. GRCh37 (hg19) VCF-style: chr4-85771069-G-C.
Other names: short protein forms S97*.
Identifiers: ClinVar variation 3066117 (VCV003066117.1), dbSNP rs2535534725, ClinGen allele CA357550425.

ClinVar aggregate classification (germline): Likely pathogenic (1 of 4 stars; one submission).

Conditions:
Microcephaly 18, primary, autosomal dominant (MCPH18). Identifiers: MedGen C4479608, MONDO:0054593, OMIM 617520.

Submission:

MVZ Medizinische Genetik Mainz
Classification: Likely pathogenic for Microcephaly 18, primary, autosomal dominant. Last evaluated: 2022-07-19. Review status: criteria provided, single submitter. Criteria: UK Practice Guidelines For Variant Classification V4 01 2020. Collection method: clinical testing. Allele origin: germline. Inheritance: Autosomal dominant inheritance. Affected: yes. Observed: 1 variant allele.
Comment: ACMG Criteria: PVS1,PM2_SUP